The following is an entry in ClinVar:

NM_003482.4(KMT2D):c.16118A>G (p.Asn5373Ser)

Gene: KMT2D (lysine methyltransferase 2D; minus strand). Cytogenetic location: 12q13.12.
Variant type: single nucleotide variant.
Coding change: c.16118A>G on transcript NM_003482.4 (MANE Select); coding-DNA position 16118, A replaced by G.
Protein change: p.Asn5373Ser; replaces asparagine 5373 with serine.
Molecular consequence: missense variant.
Genome position (GRCh38, 1-based): chr12:49,022,810, T>C on the plus strand (A>G on the coding strand, the complement: KMT2D is on the minus strand). VCF-style: chr12-49022810-T-C. GRCh37 (hg19) VCF-style: chr12-49416593-T-C.
Other names: short protein forms N5373S.
Identifiers: ClinVar variation 4293261 (VCV004293261.3).

ClinVar aggregate classification (germline): Conflicting classifications of pathogenicity. Review status: criteria provided, conflicting classifications (1 of 4 stars). 3 submissions from 3 submitters: Uncertain significance (2); Likely benign (1). Last evaluated 2026-01-23.

Conditions:
KMT2D-related disorder. Also called: KMT2D-Related Disorders.
Kabuki syndrome 1 (KABUK1). Also called: KMT2D-Related Kabuki Syndrome. Identifiers: Orphanet 2322, MedGen CN030661, MONDO:0007843, OMIM 147920.
Kabuki syndrome. Also called: NIIKAWA-KUROKI SYNDROME; Kabuki make-up syndrome. Identifiers: Orphanet 2322, MedGen C0796004, MONDO:0016512.

gnomAD v4.1: 3 of 1,613,816 alleles (0.00019%); highest among the groups gnomAD compares: Non-Finnish European, 0.00017%; no homozygotes.

Submissions (3):

PreventionGenetics, part of Exact Sciences
Classification: Uncertain significance for KMT2D-related condition. Last evaluated: 2026-01-23. Review status: criteria provided, single submitter. Criteria: ACMG Guidelines, 2015. Collection method: clinical testing. Allele origin: germline.
Comment: The KMT2D c.16118A>G variant is predicted to result in the amino acid substitution p.Asn5373Ser. To our knowledge, this variant has not been reported in the literature. This variant is reported in 0.00089% of alleles in individuals of European (Non-Finnish) descent in gnomAD. At this time, the clinical significance of this variant is uncertain due to the absence of conclusive functional and genetic evidence.

Labcorp Genetics (formerly Invitae), Labcorp
Classification: Likely benign for Kabuki syndrome. Last evaluated: 2025-09-30. Review status: criteria provided, single submitter. Criteria: Invitae Variant Classification Sherloc (09022015). Collection method: clinical testing. Allele origin: germline.

3billion
Classification: Uncertain significance for Kabuki syndrome 1. Last evaluated: 2025-02-05. Review status: criteria provided, single submitter. Criteria: ACMG Guidelines, 2015. Collection method: clinical testing. Allele origin: germline. Affected: yes.
Comment: The variant is observed at an extremely low frequency in the gnomAD v4.1.0 dataset (total allele frequency: <0.001%). Predicted Consequence/Location: Missense variant In silico tools predict the variant to alter splicing and produce an abnormal transcript [SpliceAI: 0.32 (>=0.2, moderate evidence for spliceogenicity)]. Therefore, this variant is classified as VUS according to the recommendation of ACMG/AMP guideline.